The following is an entry in ClinVar:

NM_001127208.3(TET2):c.3184G>A (p.Val1062Ile)

Genes: TET2 (tet methylcytosine dioxygenase 2; plus strand), TET2-AS1 (TET2 antisense RNA 1; minus strand). Cytogenetic location: 4q24.
Variant type: single nucleotide variant.
Coding change: c.3184G>A on transcript NM_001127208.3 (MANE Select); coding-DNA position 3184, G replaced by A.
Protein change: p.Val1062Ile; replaces valine 1062 with isoleucine.
Molecular consequence: missense variant.
Genome position (GRCh38, 1-based): chr4:105,237,126, G>A. VCF-style: chr4-105237126-G-A. GRCh37 (hg19) VCF-style: chr4-106158283-G-A.
Other names: c.3184G>A, p.Val1062Ile (NM_017628.4); short protein forms V1062I.
Identifiers: ClinVar variation 4865504 (VCV004865504.1).

ClinVar aggregate classification (germline): Uncertain significance (1 of 4 stars; one submission).

Submission:

Ambry Genetics
Classification: Uncertain significance. Last evaluated: 2026-03-22. Review status: criteria provided, single submitter. Criteria: Ambry Variant Classification Scheme 2023. Collection method: clinical testing. Allele origin: germline.
Comment: The p.V1062I variant (also known as c.3184G>A), located in coding exon 1 of the TET2 gene, results from a G to A substitution at nucleotide position 3184. The valine at codon 1062 is replaced by isoleucine, an amino acid with highly similar properties. This amino acid position is conserved. In addition, this alteration is predicted to be tolerated by in silico analysis. Based on the available evidence, the clinical significance of this variant remains unclear.